The following is an entry in ClinVar:

ClinVar aggregate classification (germline): Uncertain significance. Review status: criteria provided, multiple submitters, no conflicts (2 of 4 stars). 2 submissions from 2 submitters: Uncertain significance (2). Last evaluated 2025-02-04.

Submissions (2):

Labcorp Genetics (formerly Invitae), Labcorp
Classification: Uncertain significance. Last evaluated: 2025-02-04. Review status: criteria provided, single submitter. Criteria: Invitae Variant Classification Sherloc (09022015). Collection method: clinical testing. Allele origin: germline.
Comment: This sequence change replaces asparagine, which is neutral and polar, with serine, which is neutral and polar, at codon 946 of the NEXMIF protein (p.Asn946Ser). This variant is not present in population databases (gnomAD no frequency). This variant has not been reported in the literature in individuals affected with NEXMIF-related conditions. ClinVar contains an entry for this variant (Variation ID: 1705150). An algorithm developed to predict the effect of missense changes on protein structure and function outputs the following: PolyPhen-2: "Benign". The serine amino acid residue is found in multiple mammalian species, which suggests that this missense change does not adversely affect protein function. In summary, the available evidence is currently insufficient to determine the role of this variant in disease. Therefore, it has been classified as a Variant of Uncertain Significance.

Women's Health and Genetics/Laboratory Corporation of America, LabCorp
Classification: Uncertain significance. Last evaluated: 2022-08-19. Review status: criteria provided, single submitter. Criteria: LabCorp Variant Classification Summary - May 2015. Collection method: clinical testing. Allele origin: germline.
Comment: Variant summary: NEXMIF c.2837A>G (p.Asn946Ser) results in a conservative amino acid change in the encoded protein sequence. Four of five in-silico tools predict a benign effect of the variant on protein function. The variant was absent in 183397 control chromosomes. The available data on variant occurrences in the general population are insufficient to allow any conclusion about variant significance. To our knowledge, no occurrence of c.2837A>G in individuals affected with Intellectual Developmental Disorder, X-Linked 98 and no experimental evidence demonstrating its impact on protein function have been reported. No clinical diagnostic laboratories have submitted clinical-significance assessments for this variant to ClinVar after 2014. Based on the evidence outlined above, the variant was classified as uncertain significance.

NM_001008537.3(NEXMIF):c.2837A>G (p.Asn946Ser)

Gene: NEXMIF (neurite extension and migration factor; minus strand). Cytogenetic location: Xq13.3.
Variant type: single nucleotide variant.
Coding change: c.2837A>G on transcript NM_001008537.3 (MANE Select); coding-DNA position 2837, A replaced by G.
Protein change: p.Asn946Ser; replaces asparagine 946 with serine.
Molecular consequence: missense variant.
Genome position (GRCh38, 1-based): chrX:74,741,720, T>C on the plus strand (A>G on the coding strand, the complement: NEXMIF is on the minus strand). VCF-style: chrX-74741720-T-C. GRCh37 (hg19) VCF-style: chrX-73961555-T-C.
Other names: short protein forms N946S.
Identifiers: ClinVar variation 1705150 (VCV001705150.2), dbSNP rs2519913286, ClinGen allele CA413667322.